The following is an entry in ClinVar:

ClinVar aggregate classification (germline): Uncertain significance. Review status: criteria provided, multiple submitters, no conflicts (2 of 4 stars). 2 submissions from 2 submitters: Uncertain significance (2). Last evaluated 2025-03-09.

Conditions:
Cardiovascular phenotype. Identifiers: MedGen CN230736.

Submissions (2):

Ambry Genetics
Classification: Uncertain significance for Cardiovascular phenotype. Last evaluated: 2025-03-09. Review status: criteria provided, single submitter. Criteria: Ambry Variant Classification Scheme 2023. Collection method: clinical testing. Allele origin: germline.
Comment: The p.A1819G variant (also known as c.5456C>G), located in coding exon 34 of the MYH6 gene, results from a C to G substitution at nucleotide position 5456. The alanine at codon 1819 is replaced by glycine, an amino acid with similar properties. This amino acid position is conserved. In addition, this alteration is predicted to be tolerated by in silico analysis. Based on the available evidence, the clinical significance of this variant remains unclear.

CeGaT Center for Human Genetics Tuebingen
Classification: Uncertain significance. Last evaluated: 2024-10-01. Review status: criteria provided, single submitter. Criteria: CeGaT Center For Human Genetics Tuebingen Variant Classification Criteria Version 2. Collection method: clinical testing. Allele origin: germline. Affected: yes. Observed: 1 variant allele.
Comment: MYH6: PM2

NM_002471.4(MYH6):c.5456C>G (p.Ala1819Gly)

Gene: MYH6 (myosin heavy chain 6; minus strand). Cytogenetic location: 14q11.2.
Variant type: single nucleotide variant.
Coding change: c.5456C>G on transcript NM_002471.4 (MANE Select); coding-DNA position 5456, C replaced by G.
Protein change: p.Ala1819Gly; replaces alanine 1819 with glycine.
Molecular consequence: missense variant.
Genome position (GRCh38, 1-based): chr14:23,384,551, G>C on the plus strand (C>G on the coding strand, the complement: MYH6 is on the minus strand). VCF-style: chr14-23384551-G-C. GRCh37 (hg19) VCF-style: chr14-23853760-G-C.
Other names: short protein forms A1819G.
Identifiers: ClinVar variation 3389838 (VCV003389838.15).